The following is an entry in ClinVar:

NM_000059.4(BRCA2):c.5228G>A (p.Ser1743Asn)

Gene: BRCA2 (BRCA2 DNA repair associated; plus strand). Cytogenetic location: 13q13.1.
Variant type: single nucleotide variant.
Coding change: c.5228G>A on transcript NM_000059.4 (MANE Select); coding-DNA position 5228, G replaced by A.
Protein change: p.Ser1743Asn; replaces serine 1743 with asparagine.
Molecular consequence: missense variant.
Genome position (GRCh38, 1-based): chr13:32,339,583, G>A. VCF-style: chr13-32339583-G-A. GRCh37 (hg19) VCF-style: chr13-32913720-G-A.
Other names: short protein forms S1743N.
Identifiers: ClinVar variation 142783 (VCV000142783.33), dbSNP rs587782714, ClinGen allele CA021793.

ClinVar aggregate classification (germline): Conflicting classifications of pathogenicity. Review status: criteria provided, conflicting classifications (1 of 4 stars). 11 submissions from 11 submitters: Uncertain significance (9); Likely benign (1). 1 of the submissions does not count toward it. Last evaluated 2025-12-24.

Conditions:
Familial cancer of breast. Also called: BREAST CANCER, FAMILIAL; hereditary breast carcinoma; Hereditary breast cancer. Identifiers: Orphanet 227535, MedGen C0346153, MONDO:0016419, OMIM 114480. Disease mechanism: loss of function.
Fanconi anemia complementation group D1. Also called: BRCA2-Related Fanconi Anemia. Identifiers: Orphanet 319462, MedGen C1838457, MONDO:0011584, OMIM 605724.
Medulloblastoma (MDB). Also called: Medulloblastoma, somatic; MEDULLOBLASTOMA PREDISPOSITION SYNDROME. Identifiers: Orphanet 616, MedGen C0025149, MeSH D008527, MONDO:0007959, OMIM 155255, HP:0002885.
Breast-ovarian cancer, familial, susceptibility to, 2 (BROVCA2). Also called: BRCA2 Hereditary Breast and Ovarian Cancer. Identifiers: Orphanet 145, MedGen C2675520, MONDO:0012933, OMIM 612555. Disease mechanism: loss of function.
Wilms tumor 1 (WT1). Also called: Wilms tumor, somatic. Identifiers: Orphanet 654, MedGen CN033288, MONDO:0008679, OMIM 194070.
Glioma susceptibility 3 (GLM3). Also called: Glioblastoma 3. Identifiers: Orphanet 182067, Orphanet 360, MedGen C2751641, MONDO:0013093, OMIM 613029.
Pancreatic cancer, susceptibility to, 2. Identifiers: Orphanet 1333, MedGen C3150546, MONDO:0013235, OMIM 613347.
Familial prostate cancer. Also called: Hereditary Prostate Cancer. Identifiers: MedGen C2931456, MONDO:0700275, OMIM 176807.
BRCA2-related disorder. Also called: BRCA2-related condition; BRCA2-related disorders. Identifiers: MedGen CN239275.
Hereditary cancer-predisposing syndrome. Also called: Neoplastic Syndromes, Hereditary; Hereditary neoplastic syndrome; Hereditary Cancer Syndrome; Tumor predisposition. Identifiers: Orphanet 140162, MedGen C0027672, MeSH D009386, MONDO:0015356.
Hereditary breast ovarian cancer syndrome. Also called: Breast and ovarian cancer; Hereditary breast and/or ovarian cancer syndrome; Hereditary breast and ovarian cancer syndrome; Hereditary breast and ovarian cancer syndrome (HBOC); Hereditary breast and ovarian cancer; BRCA1- and BRCA2-Associated Hereditary Breast and Ovarian Cancer. Identifiers: Orphanet 145, MedGen C0677776, MeSH D061325, MONDO:0003582. Disease mechanism: loss of function.

Allele frequency attached by ClinVar (database versions not stated): TOPMed below 0.00001; ExAC 0.00002; gnomAD exomes 0.00002 and 0.00003.
gnomAD v4.1: 10 of 1,610,610 alleles (0.00062%); highest among the groups gnomAD compares: Admixed American, 0.017%; no homozygotes.

Submissions (11):

Labcorp Genetics (formerly Invitae), Labcorp
Classification: Uncertain significance for Hereditary breast ovarian cancer syndrome. Last evaluated: 2025-12-24. Review status: criteria provided, single submitter. Criteria: Invitae Variant Classification Sherloc (09022015). Collection method: clinical testing. Allele origin: germline.
Comment: This sequence change replaces serine, which is neutral and polar, with asparagine, which is neutral and polar, at codon 1743 of the BRCA2 protein (p.Ser1743Asn). This variant is present in population databases (rs587782714, gnomAD 0.02%). This missense change has been observed in individual(s) with a personal or family history of breast cancer (PMID: 30159786, 35264596, 35534704). ClinVar contains an entry for this variant (Variation ID: 142783). Invitae Evidence Modeling of protein sequence and biophysical properties (such as structural, functional, and spatial information, amino acid conservation, physicochemical variation, residue mobility, and thermodynamic stability) indicates that this missense variant is not expected to disrupt BRCA2 protein function with a negative predictive value of 95%. In summary, the available evidence is currently insufficient to determine the role of this variant in disease. Therefore, it has been classified as a Variant of Uncertain Significance.

PreventionGenetics, part of Exact Sciences
Classification: Uncertain significance for BRCA2-related condition. Last evaluated: 2025-09-30. Review status: criteria provided, single submitter. Criteria: ACMG Guidelines, 2015. Collection method: clinical testing. Allele origin: germline.
Comment: The BRCA2 c.5228G>A variant is predicted to result in the amino acid substitution p.Ser1743Asn. This variant has been reported in multiple individuals in breast cancer cohorts (See for example, de Souza Timoteo et al. 2018. PubMed ID: 30159786; Table S3, Guindalini et al. 2022. PubMed ID: 35264596; Table S3, de Oliveira et al. 2022. PubMed ID: 35534704). This variant is within a coldspot region in which missense changes are expected to be well tolerated (Dines et al. 2020. PubMed ID: 31911673). This variant is reported in 0.020% of alleles in individuals of Latino descent in gnomAD and is listed in ClinVar as uncertain or likely benign (ClinVar ID: 142783). At this time, the clinical significance of this variant is uncertain due to the absence of conclusive functional and genetic evidence.

Ambry Genetics
Classification: Uncertain significance for Hereditary cancer-predisposing syndrome. Last evaluated: 2025-09-22. Review status: criteria provided, single submitter. Criteria: Ambry Variant Classification Scheme 2023. Collection method: clinical testing. Allele origin: germline.
Comment: The p.S1743N variant (also known as c.5228G>A), located in coding exon 10 of the BRCA2 gene, results from a G to A substitution at nucleotide position 5228. The serine at codon 1743 is replaced by asparagine, an amino acid with highly similar properties. This variant was identified in 1/157 individuals selected according to NCCN criteria for hereditary breast cancer and tested with a panel of 33 genes related to hereditary cancer (de Souza Timoteo AR et al. Breast Cancer Res. Treat., 2018 Dec;172:637-646). This alteration was also detected in a cohort of 1663 Brazilian breast cancer patients who underwent hereditary multigene panel testing (Guindalini RSC et al. Sci Rep, 2022 Mar;12:4190). This amino acid position is poorly conserved in available vertebrate species. In addition, this alteration is predicted to be tolerated by in silico analysis. Since supporting evidence is limited at this time, the clinical significance of this alteration remains unclear.

Quest Diagnostics Nichols Institute San Juan Capistrano
Classification: Uncertain significance. Last evaluated: 2025-06-02. Review status: criteria provided, single submitter. Criteria: Quest Diagnostics criteria. Collection method: clinical testing. Allele origin: unknown.
Comment: The BRCA2 c.5228G>A (p.Ser1743Asn) variant has been reported in the published literature in individuals with breast cancer (PMID: 35534704 (2022), 35264596 (2022), 30159786 (2018)), and is described to be located in a region of the BRCA2 gene that is tolerant to missense sequence changes (PMID: 31911673 (2020)). The frequency of this variant in the general population (Genome Aggregation Database) is uninformative in the assessment of its pathogenicity. Analysis of this variant using bioinformatics tools for the prediction of the effect of amino acid changes on protein structure and function yielded predictions that this variant is benign. Based on the available information, we are unable to determine the clinical significance of this variant.

Fulgent Genetics
Classification: Uncertain significance for Familial cancer of breast; Medulloblastoma; Familial prostate cancer; Wilms tumor 1; Fanconi anemia complementation group D1; Breast-ovarian cancer, familial, susceptibility to, 2; Glioma susceptibility 3; Pancreatic cancer, susceptibility to, 2. Last evaluated: 2024-04-21. Review status: criteria provided, single submitter. Criteria: ACMG Guidelines, 2015. Collection method: clinical testing. Allele origin: germline.

Women's Health and Genetics/Laboratory Corporation of America, LabCorp
Classification: Uncertain significance. Last evaluated: 2023-10-09. Review status: criteria provided, single submitter. Criteria: LabCorp Variant Classification Summary - May 2015. Collection method: clinical testing. Allele origin: germline.
Comment: Variant summary: BRCA2 c.5228G>A (p.Ser1743Asn) results in a conservative amino acid change in the encoded protein sequence. Five of five in-silico tools predict a benign effect of the variant on protein function. The variant allele was found at a frequency of 2.8e-05 in 249568 control chromosomes. The available data on variant occurrences in the general population are insufficient to allow any conclusion about variant significance. c.5228G>A has been reported in the literature in individuals affected with Breast Cancer (example, Guindalini_2022, deSouzaTimoteo_2018), without strong evidence for causality. These report(s) do not provide unequivocal conclusions about association of the variant with Hereditary Breast And Ovarian Cancer Syndrome. To our knowledge, no experimental evidence demonstrating an impact on protein function has been reported. The following publications have been ascertained in the context of this evaluation (PMID: 35264596, 30159786). Nine submitters have cited clinical-significance assessments for this variant to ClinVar after 2014 (VUS=8, Likely benign=1). Based on the evidence outlined above, the variant was classified as uncertain significance.

University of Washington Department of Laboratory Medicine, University of Washington
Classification: Likely benign for Hereditary cancer-predisposing syndrome. Last evaluated: 2023-03-23. Review status: criteria provided, single submitter. Criteria: Dines et al. (Genet Med. 2020). Collection method: curation. Allele origin: germline.
Comment: Missense variant in a coldspot region where missense variants are very unlikely to be pathogenic (PMID:31911673).

BRCA2 exon 11 coldspot. Reclassification based on statistical prior probability.

Sema4
Classification: Uncertain significance for Hereditary cancer-predisposing syndrome. Last evaluated: 2022-01-22. Review status: criteria provided, single submitter. Criteria: Sema4 Curation Guidelines. Collection method: curation. Allele origin: germline.
Comment: The BRCA2 c.5228G>A (p.S1743N) variant has been reported in at least one individual with a personal and/or family history of breast cancer (PMID: 30159786). It was observed in 7/34340 chromosomes of the Latino subpopulation in the large and broad cohorts of the Genome Aggregation Database (PMID: 32461654). The variant has been reported in ClinVar (Variation ID 142783). Functional studies have not been performed, and in silico predictions of the variant's effect on protein function are inconclusive. The evidence is insufficient to meet ACMG/AMP criteria for classifying the variant as benign or pathogenic. Thus, the clinical significance of this variant is currently uncertain.

Color Diagnostics, LLC DBA Color Health
Classification: Uncertain significance for Hereditary cancer-predisposing syndrome. Last evaluated: 2019-05-30. Review status: criteria provided, single submitter. Criteria: ACMG Guidelines, 2015. Collection method: clinical testing. Allele origin: germline.

Mendelics
Classification: Uncertain significance for Breast-ovarian cancer, familial, susceptibility to, 2. Last evaluated: 2019-05-28. Review status: criteria provided, single submitter. Criteria: Mendelics Assertion Criteria 2017. Collection method: clinical testing. Allele origin: unknown.

Counsyl
Classification: Uncertain significance for Breast-ovarian cancer, familial, susceptibility to, 2. Last evaluated: 2016-01-24. Review status: no assertion criteria provided. Collection method: clinical testing. Allele origin: unknown. Not counted in ClinVar's aggregate classification.

Literature cited by the submitters: PubMed 30159786 (cited by 5 submitters); PubMed 35264596 (cited by 4 submitters); PubMed 35534704 (cited by Labcorp Genetics (formerly Invitae), Labcorp and Quest Diagnostics Nichols Institute San Juan Capistrano); PubMed 36922933 (cited by Quest Diagnostics Nichols Institute San Juan Capistrano); PubMed 31911673 (cited by Quest Diagnostics Nichols Institute San Juan Capistrano); PubMed 34541275 (cited by Quest Diagnostics Nichols Institute San Juan Capistrano); PubMed 30630528 (cited by Quest Diagnostics Nichols Institute San Juan Capistrano); PubMed 26295337 (cited by Quest Diagnostics Nichols Institute San Juan Capistrano).